The following is an entry in ClinVar:

NM_000260.4(MYO7A):c.937A>G (p.Thr313Ala)

Gene: MYO7A (myosin VIIA; plus strand). Cytogenetic location: 11q13.5.
Variant type: single nucleotide variant.
Coding change: c.937A>G on transcript NM_000260.4 (MANE Select); coding-DNA position 937, A replaced by G.
Protein change: p.Thr313Ala; replaces threonine 313 with alanine.
Molecular consequence: missense variant.
Genome position (GRCh38, 1-based): chr11:77,158,364, A>G. VCF-style: chr11-77158364-A-G. GRCh37 (hg19) VCF-style: chr11-76869410-A-G.
Other names: c.937A>G, p.Thr313Ala (NM_001127180.2); c.904A>G, p.Thr302Ala (NM_001369365.1); short protein forms T302A, T313A.
Identifiers: ClinVar variation 942289 (VCV000942289.10), dbSNP rs1952689983, ClinGen allele CA381933095.

ClinVar aggregate classification (germline): Uncertain significance. Review status: criteria provided, multiple submitters, no conflicts (2 of 4 stars). 2 submissions from 2 submitters: Uncertain significance (2). Last evaluated 2019-07-22.

Submissions (2):

Labcorp Genetics (formerly Invitae), Labcorp
Classification: Uncertain significance. Last evaluated: 2019-07-22. Review status: criteria provided, single submitter. Criteria: Invitae Variant Classification Sherloc (09022015). Collection method: clinical testing. Allele origin: germline.
Comment: In summary, the available evidence is currently insufficient to determine the role of this variant in disease. Therefore, it has been classified as a Variant of Uncertain Significance. Algorithms developed to predict the effect of missense changes on protein structure and function (SIFT, PolyPhen-2, Align-GVGD) all suggest that this variant is likely to be tolerated, but these predictions have not been confirmed by published functional studies and their clinical significance is uncertain. This variant has not been reported in the literature in individuals with MYO7A-related conditions. This variant is not present in population databases (ExAC no frequency). This sequence change replaces threonine with alanine at codon 313 of the MYO7A protein (p.Thr313Ala). The threonine residue is highly conserved and there is a small physicochemical difference between threonine and alanine.

Blueprint Genetics
Classification: Uncertain significance. Last evaluated: 2018-09-28. Review status: criteria provided, single submitter. Criteria: ACMG Guidelines, 2015. Collection method: clinical testing. Allele origin: germline.